The following is an entry in ClinVar:

ClinVar aggregate classification (germline): Uncertain significance (1 of 4 stars; one submission).

gnomAD v4.1: 15 of 1,614,142 alleles (0.00093%); highest among the groups gnomAD compares: South Asian, 0.011%; no homozygotes.

Submission:

GeneDx
Classification: Uncertain significance. Last evaluated: 2026-03-13. Review status: criteria provided, single submitter. Criteria: GeneDx Variant Classification Process June 2021. Collection method: clinical testing. Allele origin: germline.
Comment: In silico analysis supports that this missense variant has a deleterious effect on protein structure/function; Has not been previously published as pathogenic or benign to our knowledge

NM_001394062.1(MACF1):c.1148G>A (p.Gly383Asp)

Gene: MACF1 (microtubule actin crosslinking factor 1; plus strand). Cytogenetic location: 1p34.3.
Variant type: single nucleotide variant.
Coding change: c.1148G>A on transcript NM_001394062.1 (MANE Select); coding-DNA position 1148, G replaced by A.
Protein change: p.Gly383Asp; replaces glycine 383 with aspartic acid.
Molecular consequence: missense variant.
Genome position (GRCh38, 1-based): chr1:39,285,099, G>A. VCF-style: chr1-39285099-G-A. GRCh37 (hg19) VCF-style: chr1-39750771-G-A.
Other names: c.1163G>A, p.Gly388Asp (NM_012090.5); short protein forms G383D, G388D.
Identifiers: ClinVar variation 5009138 (VCV005009138.1).
Genomic context (GRCh38, chr1:39,285,099, plus strand): 5'-GAGGGCATGGCTGTGTTTTTGGACTGAAAGAGTATCTGTTTCAGGTGTGGATTGAATTTG[G>A]CCGAATTAAACTGCCTCAAGGTTATCACCCTAATGATGTGGAAGAAGAGTGGGGAAAGCT-3'
Protein context (NP_001380991.1, residues 373-393): YKLLEVWIEF[Gly383Asp]RIKLPQGYHP